The following is an entry in ClinVar:

NM_145725.3(TRAF3):c.1591G>A (p.Ala531Thr)

Gene: TRAF3 (TNF receptor associated factor 3; plus strand). Cytogenetic location: 14q32.32.
Variant type: single nucleotide variant.
Coding change: c.1591G>A on transcript NM_145725.3 (MANE Select); coding-DNA position 1591, G replaced by A.
Protein change: p.Ala531Thr; replaces alanine 531 with threonine.
Molecular consequence: missense variant.
Genome position (GRCh38, 1-based): chr14:102,905,668, G>A. VCF-style: chr14-102905668-G-A. GRCh37 (hg19) VCF-style: chr14-103372005-G-A.
Other names: c.1342G>A, p.Ala448Thr (NM_001199427.2); c.1450G>A, p.Ala484Thr (NM_001385142.1); c.1510G>A, p.Ala504Thr (NM_001385143.1); c.1591G>A, p.Ala531Thr (NM_003300.4); c.1516G>A, p.Ala506Thr (NM_145726.3); short protein forms A448T, A484T, A504T, A506T, A531T.
Identifiers: ClinVar variation 1024693 (VCV001024693.9), dbSNP rs1890551036, ClinGen allele CA391077207.
Genomic context (GRCh38, chr14:102,905,668, plus strand): 5'-GCATTCAAGCCCGACCCCAACAGCAGCAGCTTCAAGAAGCCCACTGGAGAGATGAATATC[G>A]CCTCTGGCTGCCCAGTCTTTGTGGCCCAAACTGTTCTAGAAAATGGGACATATATTAAAG-3'
Protein context (NP_663777.1, residues 521-541): FKKPTGEMNI[Ala531Thr]SGCPVFVAQT

ClinVar aggregate classification (germline): Uncertain significance (1 of 4 stars; one submission).

Conditions:
Immunodeficiency 132A. Also called: Herpes simplex encephalitis, susceptibility to, 3. Identifiers: Orphanet 1930, MedGen C3553868, MONDO:0013920, OMIM 614849.

Submission:

Labcorp Genetics (formerly Invitae), Labcorp
Classification: Uncertain significance for Immunodeficiency 132A. Last evaluated: 2020-08-26. Review status: criteria provided, single submitter. Criteria: Invitae Variant Classification Sherloc (09022015). Collection method: clinical testing. Allele origin: germline.
Comment: In summary, the available evidence is currently insufficient to determine the role of this variant in disease. Therefore, it has been classified as a Variant of Uncertain Significance. Algorithms developed to predict the effect of missense changes on protein structure and function are either unavailable or do not agree on the potential impact of this missense change (SIFT: "Tolerated"; PolyPhen-2: "Probably Damaging"; Align-GVGD: "Class C0"). This variant has not been reported in the literature in individuals with TRAF3-related conditions. This variant is not present in population databases (ExAC no frequency). This sequence change replaces alanine with threonine at codon 531 of the TRAF3 protein (p.Ala531Thr). The alanine residue is highly conserved and there is a small physicochemical difference between alanine and threonine.